The following is an entry in ClinVar:

ClinVar aggregate classification (germline): Uncertain significance (1 of 4 stars; one submission).

Conditions:
Beckwith-Wiedemann syndrome (BWS). Also called: EMG SYNDROME; Exomphalos macroglossia gigantism syndrome. Identifiers: Orphanet 116, MedGen C0004903, MONDO:0007534, OMIM 130650.

Submission:

Labcorp Genetics (formerly Invitae), Labcorp
Classification: Uncertain significance for Beckwith-Wiedemann syndrome. Last evaluated: 2021-11-10. Review status: criteria provided, single submitter. Criteria: Invitae Variant Classification Sherloc (09022015). Collection method: clinical testing. Allele origin: germline.
Comment: In summary, the available evidence is currently insufficient to determine the role of this variant in disease. Therefore, it has been classified as a Variant of Uncertain Significance. Algorithms developed to predict the effect of missense changes on protein structure and function are either unavailable or do not agree on the potential impact of this missense change (SIFT: "Tolerated"; PolyPhen-2: "Not Available"; Align-GVGD: "Class C0"). This sequence change replaces alanine, which is neutral and non-polar, with valine, which is neutral and non-polar, at codon 167 of the CDKN1C protein (p.Ala167Val). The frequency data for this variant in the population databases is considered unreliable, as metrics indicate insufficient coverage at this position in the gnomAD database. This variant has not been reported in the literature in individuals affected with CDKN1C-related conditions.

NM_001122630.2(CDKN1C):c.467C>T (p.Ala156Val)

Gene: CDKN1C (cyclin dependent kinase inhibitor 1C; minus strand). Cytogenetic location: 11p15.4.
Variant type: single nucleotide variant.
Coding change: c.467C>T on transcript NM_001122630.2 (MANE Select); coding-DNA position 467, C replaced by T.
Protein change: p.Ala156Val; replaces alanine 156 with valine.
Molecular consequence: missense variant. On other transcripts: intron variant (1).
Genome position (GRCh38, 1-based): chr11:2,884,990, G>A on the plus strand (C>T on the coding strand, the complement: CDKN1C is on the minus strand). VCF-style: chr11-2884990-G-A. GRCh37 (hg19) VCF-style: chr11-2906220-G-A.
Other names: c.500C>T, p.Ala167Val (NM_000076.2, NM_001362474.2); c.467C>T, p.Ala156Val (NM_001122631.2); c.255+212C>T (NM_001362475.2); short protein forms A156V, A167V.
Identifiers: ClinVar variation 1499919 (VCV001499919.6), dbSNP rs2133784357, ClinGen allele CA379146578.
Genomic context (GRCh38, chr11:2,884,990, plus strand): 5'-GCCGGAGCCGGGGCCGGGGCCGGGGCCAGGACCGCGACCGCGACCGGAGCCGCGACCGGA[G>A]CCGCGACCGGAGCCGGAGCCGGGGCCGGGGCTGGAGCCAGGACCGGGACTGGGGGCGGGG-3'
Protein context (NP_001116102.1, residues 146-166): APAPAPAPVA[Ala156Val]PVAAPVAVAV